The following is an entry in ClinVar:

ClinVar aggregate classification (germline): Conflicting classifications of pathogenicity. Review status: criteria provided, conflicting classifications (1 of 4 stars). 2 submissions from 2 submitters: Uncertain significance (1); Likely benign (1). Last evaluated 2024-11-27.

Allele frequency attached by ClinVar (database versions not stated): TOPMed 0.00006; gnomAD 0.00009; gnomAD exomes 0.00009; ExAC 0.00010; ESP Exome Variant Server 0.00015; 1000 Genomes Project 30x 0.00016; 1000 Genomes Project 0.00020.
gnomAD v4.1: 124 of 1,536,052 alleles (0.0081%); highest among the groups gnomAD compares: African/African-American, 0.016%; no homozygotes.

Submissions (2):

Labcorp Genetics (formerly Invitae), Labcorp
Classification: Uncertain significance. Last evaluated: 2024-11-27. Review status: criteria provided, single submitter. Criteria: Invitae Variant Classification Sherloc (09022015). Collection method: clinical testing. Allele origin: germline.
Comment: This sequence change replaces arginine, which is basic and polar, with tryptophan, which is neutral and slightly polar, at codon 37 of the TRAP1 protein (p.Arg37Trp). This variant is present in population databases (rs140670575, gnomAD 0.01%). This variant has not been reported in the literature in individuals affected with TRAP1-related conditions. ClinVar contains an entry for this variant (Variation ID: 1385569). An algorithm developed to predict the effect of missense changes on protein structure and function outputs the following: PolyPhen-2: "Benign". The tryptophan amino acid residue is found in multiple mammalian species, which suggests that this missense change does not adversely affect protein function. In summary, the available evidence is currently insufficient to determine the role of this variant in disease. Therefore, it has been classified as a Variant of Uncertain Significance.

Ambry Genetics
Classification: Likely benign. Last evaluated: 2024-08-05. Review status: criteria provided, single submitter. Criteria: Ambry Variant Classification Scheme 2023. Collection method: clinical testing. Allele origin: germline.

NM_016292.3(TRAP1):c.109C>T (p.Arg37Trp)

Gene: TRAP1 (TNF receptor associated protein 1; minus strand). Cytogenetic location: 16p13.3.
Variant type: single nucleotide variant.
Coding change: c.109C>T on transcript NM_016292.3 (MANE Select); coding-DNA position 109, C replaced by T.
Protein change: p.Arg37Trp; replaces arginine 37 with tryptophan.
Molecular consequence: missense variant. On other transcripts: intron variant (1).
Genome position (GRCh38, 1-based): chr16:3,690,965, G>A on the plus strand (C>T on the coding strand, the complement: TRAP1 is on the minus strand). VCF-style: chr16-3690965-G-A. GRCh37 (hg19) VCF-style: chr16-3740966-G-A.
Other names: c.89-1828C>T (NM_001272049.2); c.109C>T (NM_016292.2); short protein forms R37W.
Identifiers: ClinVar variation 1385569 (VCV001385569.7), dbSNP rs140670575, ClinGen allele CA7868857.